The following is an entry in ClinVar:

NM_007294.4(BRCA1):c.1825_1829del (p.Asn609fs)

Gene: BRCA1 (BRCA1 DNA repair associated; minus strand). Cytogenetic location: 17q21.31.
Variant type: Deletion.
Coding change: c.1825_1829del on transcript NM_007294.4 (MANE Select); coding-DNA positions 1825 to 1829, 5 bases deleted (AATAG; older notation c.1825_1829delAATAG).
Protein change: p.Asn609fs; shifts the reading frame from asparagine 609.
Molecular consequence: frameshift variant. On other transcripts: intron variant (137).
Genome position (GRCh38, 1-based): chr17:43,093,702-43,093,706, CTATT deleted on the plus strand (AATAG on the coding strand, the reverse complement: BRCA1 is on the minus strand); deleting any 5 consecutive bases within chr17:43,093,702-43,093,708 gives the same sequence; the c. name uses the placement nearest the transcript's 3' end. VCF-style (leftmost placement, unchanged base first): chr17-43093701-CCTATT-C. GRCh37 (hg19) VCF-style: chr17-41245718-CCTATT-C.
Other names: c.1825_1829delAATAG (NM_007294.3); c.1489_1493del, p.Asn497fs (NM_001407956.1, NM_001407958.1, NM_001407954.1 and 1 more transcripts); c.1492_1496del, p.Asn498fs (NM_001407957.1, NM_001407946.1, NM_001407947.1 and 6 more transcripts); c.1444_1448del, p.Asn482fs (NM_001407959.1, NM_001407960.1, NM_001407963.1); c.1441_1445del, p.Asn481fs (NM_001407962.1); c.1681_1685del, p.Asn561fs (NM_001407964.1, NM_001407740.1, NM_001407741.1 and 20 more transcripts); c.1321_1325del, p.Asn441fs (NM_001407965.1); c.937_941del, p.Asn313fs (NM_001407966.1, NM_001407967.1); and 41 more; short protein forms N609fs, N562fs, N498fs, N521fs, N538fs, N561fs, N583fs, N539fs.
Identifiers: ClinVar variation 496350 (VCV000496350.2), dbSNP rs1555591170, ClinGen allele CA658684109.
Genomic context (GRCh38, chr17:43,093,701, plus strand): 5'-ATTTCTACTGACTACTAGTTCAAGCGCATGAATATGCCTGGTAGAAGACTTCCTCCTCAG[CCTATT>C]CTTTTTAGGTGCTTTTGAATTGTGGATATTTAATTCGAGTTCCATATTGCTTATACTGCT-3'

ClinVar aggregate classification (germline): Likely pathogenic (1 of 4 stars; one submission).

Conditions:
Hereditary breast ovarian cancer syndrome. Also called: Breast and ovarian cancer; BRCA1- and BRCA2-Associated Hereditary Breast and Ovarian Cancer; Hereditary breast and ovarian cancer syndrome (HBOC); Hereditary breast and ovarian cancer; Hereditary breast and/or ovarian cancer syndrome; Hereditary breast and ovarian cancer syndrome. Identifiers: Orphanet 145, MedGen C0677776, MeSH D061325, MONDO:0003582. Disease mechanism: loss of function.

Submission:

Women's Health and Genetics/Laboratory Corporation of America, LabCorp
Classification: Likely pathogenic for Hereditary breast ovarian cancer syndrome. Last evaluated: 2016-06-20. Review status: criteria provided, single submitter. Criteria: LabCorp Variant Classification Summary - May 2015. Collection method: clinical testing. Allele origin: germline.
Comment: Variant summary: The BRCA1 c.1825_1829delAATAG (p.Asn609Alafs) variant results in a premature termination codon, predicted to cause a truncated or absent BRCA1 protein due to nonsense mediated decay, which are commonly known mechanisms for disease. Truncations downstream of this position have been classified as pathogenic by our laboratory (e.g. c.1874_1877dupTAGT (p.Val627fs), c.1952dupA (p.Lys652fs), and c.1953_1956delGAAA (p.Lys653fs)). The variant of interest was not observed in controls (ExAC, 1000 Gs or ESP), nor has it been, to our knowledge, reported in affected individuals via publications and/or reputable databases/clinical laboratories. Therefore, due to the nature of this variant, it has been classified as Likely Pathogenic until additional information becomes available.